The following is an entry in ClinVar:

ClinVar aggregate classification (germline): Pathogenic (1 of 4 stars; one submission).

Conditions:
Bloom syndrome (BLM). Also called: Bloom-Torre-Machacek syndrome. Identifiers: Orphanet 125, MedGen C0005859, MONDO:0008876, OMIM 210900.

Submission:

Labcorp Genetics (formerly Invitae), Labcorp
Classification: Pathogenic for Bloom syndrome. Last evaluated: 2026-01-28. Review status: criteria provided, single submitter. Criteria: Invitae Variant Classification Sherloc (09022015). Collection method: clinical testing. Allele origin: germline.
Comment: This sequence change creates a premature translational stop signal (p.Glu785Valfs*31) in the BLM gene. It is expected to result in an absent or disrupted protein product. Loss-of-function variants in BLM are known to be pathogenic (PMID: 17407155). This variant is not present in population databases (gnomAD no frequency). This variant has not been reported in the literature in individuals affected with BLM-related conditions. ClinVar contains an entry for this variant (Variation ID: 574253). Algorithms developed to predict the effect of sequence changes on RNA splicing suggest that this variant may disrupt the consensus splice site. For these reasons, this variant has been classified as Pathogenic.

Literature cited by the submitters: PubMed 17407155.

NM_000057.4(BLM):c.2353_2354insTT (p.Glu785fs)

Gene: BLM (BLM RecQ like helicase; plus strand). Cytogenetic location: 15q26.1.
Variant type: Insertion.
Coding change: c.2353_2354insTT on transcript NM_000057.4 (MANE Select); coding-DNA positions 2353 to 2354, TT inserted.
Protein change: p.Glu785fs; shifts the reading frame from glutamic acid 785.
Molecular consequence: frameshift variant.
Genome position: GRCh38 VCF-style: chr15-90769178-G-GTT. GRCh37 (hg19) VCF-style: chr15-91312408-G-GTT.
Other names: c.2353_2354insTT, p.Glu785fs (NM_001287246.2, NM_001287247.2); c.1228_1229insTT, p.Glu410fs (NM_001287248.2); short protein forms E410fs, E785fs.
Identifiers: ClinVar variation 574253 (VCV000574253.7), dbSNP rs1567045130, ClinGen allele CA891844080.